The following is an entry in ClinVar:

ClinVar aggregate classification (germline): Uncertain significance (1 of 4 stars; one submission).

Conditions:
Epidermolysis bullosa simplex with nail dystrophy (EBS5D). Identifiers: MedGen C4225309, MONDO:0014661, OMIM 616487.
Autosomal recessive limb-girdle muscular dystrophy type 2Q (LGMDR17). Also called: MUSCULAR DYSTROPHY, LIMB-GIRDLE, AUTOSOMAL RECESSIVE 17. Identifiers: Orphanet 254361, MedGen C3150989, MONDO:0013390, OMIM 613723.
Epidermolysis bullosa simplex 5C, with pyloric atresia (EBS5C). Also called: PLEC1-Related Epidermolysis Bullosa with Pyloric Atresia; PLEC-Related Epidermolysis Bullosa with Pyloric Atresia; Epidermolysis bullosa simplex with pyloric atresia. Identifiers: Orphanet 158684, MedGen C2677349, MONDO:0012807, OMIM 612138.
Epidermolysis bullosa simplex 5B, with muscular dystrophy (EBS5B). Also called: Epidermolysis bullosa simplex with muscular dystrophy; EPIDERMOLYSIS BULLOSA SIMPLEX AND LIMB-GIRDLE MUSCULAR DYSTROPHY. Identifiers: Orphanet 257, MedGen C2931072, MONDO:0009181, OMIM 226670.
Epidermolysis bullosa simplex, Ogna type (EBS5A). Also called: EPIDERMOLYSIS BULLOSA SIMPLEX 5A, OGNA TYPE; Pidermolysis bullosa simplex 5A, Ogna type. Identifiers: Orphanet 79401, MedGen C0432317, MONDO:0007555, OMIM 131950.

Allele frequency attached by ClinVar (database versions not stated): gnomAD exomes below 0.00001.
gnomAD v4.1: 1 of 1,538,246 alleles (0.000065%); highest among the groups gnomAD compares: Admixed American, 0.0019%; no homozygotes.

Submission:

Labcorp Genetics (formerly Invitae), Labcorp
Classification: Uncertain significance for Autosomal recessive limb-girdle muscular dystrophy type 2Q; Epidermolysis bullosa simplex, Ogna type; Epidermolysis bullosa simplex with nail dystrophy; Epidermolysis bullosa simplex 5C, with pyloric atresia; Epidermolysis bullosa simplex 5B, with muscular dystrophy. Last evaluated: 2023-05-25. Review status: criteria provided, single submitter. Criteria: Invitae Variant Classification Sherloc (09022015). Collection method: clinical testing. Allele origin: germline.
Comment: In summary, the available evidence is currently insufficient to determine the role of this variant in disease. Therefore, it has been classified as a Variant of Uncertain Significance. Experimental studies and prediction algorithms are not available or were not evaluated, and the functional significance of this variant is currently unknown. This variant has not been reported in the literature in individuals affected with PLEC-related conditions. The frequency data for this variant in the population databases is considered unreliable, as metrics indicate poor data quality at this position in the gnomAD database. This sequence change replaces alanine, which is neutral and non-polar, with valine, which is neutral and non-polar, at codon 1827 of the PLEC protein (p.Ala1827Val).

NM_201384.3(PLEC):c.5399C>T (p.Ala1800Val)

Gene: PLEC (plectin; minus strand). Cytogenetic location: 8q24.3.
Variant type: single nucleotide variant.
Coding change: c.5399C>T on transcript NM_201384.3 (MANE Select); coding-DNA position 5399, C replaced by T.
Protein change: p.Ala1800Val; replaces alanine 1800 with valine.
Molecular consequence: missense variant. On other transcripts: intron variant (1).
Genome position (GRCh38, 1-based): chr8:143,924,530, G>A on the plus strand (C>T on the coding strand, the complement: PLEC is on the minus strand). VCF-style: chr8-143924530-G-A. GRCh37 (hg19) VCF-style: chr8-144998698-G-A.
Other names: c.5480C>T, p.Ala1827Val (NM_000445.5); c.5357C>T, p.Ala1786Val (NM_201378.4); c.5333C>T, p.Ala1778Val (NM_201379.3); c.5810C>T, p.Ala1937Val (NM_201380.4); c.5303C>T, p.Ala1768Val (NM_201381.3); c.5399C>T, p.Ala1800Val (NM_201382.4); c.5411C>T, p.Ala1804Val (NM_201383.3); c.4126-2135C>T (NM_001410941.1); short protein forms A1768V, A1827V, A1778V, A1800V, A1804V, A1937V, A1786V.
Identifiers: ClinVar variation 2952142 (VCV002952142.3), dbSNP rs1554697905, ClinGen allele CA372545474.